The following is an entry in ClinVar:

NM_002691.4(POLD1):c.2915C>A (p.Pro972His)

Gene: POLD1 (DNA polymerase delta 1, catalytic subunit; plus strand). Cytogenetic location: 19q13.33.
Variant type: single nucleotide variant.
Coding change: c.2915C>A on transcript NM_002691.4 (MANE Select); coding-DNA position 2915, C replaced by A.
Protein change: p.Pro972His; replaces proline 972 with histidine.
Molecular consequence: missense variant. On other transcripts: non-coding transcript variant (1).
Genome position (GRCh38, 1-based): chr19:50,416,490, C>A. VCF-style: chr19-50416490-C-A. GRCh37 (hg19) VCF-style: chr19-50919747-C-A.
Other names: c.2915C>A, p.Pro972His (NM_001256849.1, NM_001438212.1, NM_001438213.1); c.2993C>A, p.Pro998His (NM_001308632.1); c.2843C>A, p.Pro948His (NM_001438210.1, NM_001438211.1); short protein forms P948H, P972H, P998H.
Identifiers: ClinVar variation 4742347 (VCV004742347.1).

ClinVar aggregate classification (germline): Uncertain significance (1 of 4 stars; one submission).

Conditions:
POLD1-related polyposis and colorectal cancer syndrome (CRCS10). Also called: COLORECTAL CANCER, SUSCEPTIBILITY TO, ON CHROMOSOME 19q; Colorectal cancer 10; Colorectal cancer, susceptibility to, 10. Identifiers: Orphanet 220460, MedGen C2675481, MONDO:0012953, OMIM 612591.

Submission:

Labcorp Genetics (formerly Invitae), Labcorp
Classification: Uncertain significance for POLD1-related polyposis and colorectal cancer syndrome. Last evaluated: 2025-11-04. Review status: criteria provided, single submitter. Criteria: Invitae Variant Classification Sherloc (09022015). Collection method: clinical testing. Allele origin: germline.
Comment: This sequence change replaces proline, which is neutral and non-polar, with histidine, which is basic and polar, at codon 972 of the POLD1 protein (p.Pro972His). This variant is not present in population databases (gnomAD no frequency). This variant has not been reported in the literature in individuals affected with POLD1-related conditions. Invitae Evidence Modeling of protein sequence and biophysical properties (such as structural, functional, and spatial information, amino acid conservation, physicochemical variation, residue mobility, and thermodynamic stability) has been performed for this missense variant. However, the output from this modeling did not meet the statistical confidence thresholds required to predict the impact of this variant on POLD1 protein function. In summary, the available evidence is currently insufficient to determine the role of this variant in disease. Therefore, it has been classified as a Variant of Uncertain Significance.